The following is an entry in ClinVar:

NM_005120.3(MED12):c.1234G>A (p.Ala412Thr)

Gene: MED12 (mediator complex subunit 12; plus strand). Cytogenetic location: Xq13.1.
Variant type: single nucleotide variant.
Coding change: c.1234G>A on transcript NM_005120.3 (MANE Select); coding-DNA position 1234, G replaced by A.
Protein change: p.Ala412Thr; replaces alanine 412 with threonine.
Molecular consequence: missense variant.
Genome position (GRCh38, 1-based): chrX:71,122,332, G>A. VCF-style: chrX-71122332-G-A. GRCh37 (hg19) VCF-style: chrX-70342182-G-A.
Other names: short protein forms A412T.
Identifiers: ClinVar variation 2763696 (VCV002763696.3), dbSNP rs964324501, ClinGen allele CA330976009.

ClinVar aggregate classification (germline): Uncertain significance (1 of 4 stars; one submission).

Conditions:
FG syndrome (FGS). Identifiers: MedGen C0220769, MONDO:0002010.

Allele frequency attached by ClinVar (database versions not stated): TOPMed below 0.00001; gnomAD 0.00001.
gnomAD v4.1: 1 of 1,210,398 alleles (0.000083%); highest among the groups gnomAD compares: African/African-American, 0.0017%; no homozygotes.

Submission:

Labcorp Genetics (formerly Invitae), Labcorp
Classification: Uncertain significance for FG syndrome. Last evaluated: 2024-10-23. Review status: criteria provided, single submitter. Criteria: Invitae Variant Classification Sherloc (09022015). Collection method: clinical testing. Allele origin: germline.
Comment: This sequence change replaces alanine, which is neutral and non-polar, with threonine, which is neutral and polar, at codon 412 of the MED12 protein (p.Ala412Thr). This variant is not present in population databases (gnomAD no frequency). This variant has not been reported in the literature in individuals affected with MED12-related conditions. Invitae Evidence Modeling of protein sequence and biophysical properties (such as structural, functional, and spatial information, amino acid conservation, physicochemical variation, residue mobility, and thermodynamic stability) indicates that this missense variant is not expected to disrupt MED12 protein function with a negative predictive value of 95%. In summary, the available evidence is currently insufficient to determine the role of this variant in disease. Therefore, it has been classified as a Variant of Uncertain Significance.